The following is an entry in ClinVar:

ClinVar aggregate classification (germline): Conflicting classifications of pathogenicity. Review status: criteria provided, conflicting classifications (1 of 4 stars). 4 submissions from 4 submitters: Uncertain significance (2); Likely benign (1). 1 of the submissions does not count toward it. Last evaluated 2025-11-04.

Conditions:
Combined oxidative phosphorylation defect type 20. Also called: Combined oxidative phosphorylation deficiency 20. Identifiers: Orphanet 420728, MedGen C4014660, MONDO:0014397, OMIM 615917.
VARS2-related disorder. Also called: VARS2-related disorders; VARS2-related condition.

Allele frequency attached by ClinVar (database versions not stated): gnomAD 0.00001 and 0.00015; TOPMed 0.00006; gnomAD exomes 0.00033 and 0.00051; 1000 Genomes Project 30x 0.00078; ExAC 0.00084; 1000 Genomes Project 0.00100.
gnomAD v4.1: 492 of 1,611,288 alleles (0.031%); highest among the groups gnomAD compares: South Asian, 0.45%; 3 homozygotes.

Submissions (4):

Labcorp Genetics (formerly Invitae), Labcorp
Classification: Likely benign. Last evaluated: 2025-11-04. Review status: criteria provided, single submitter. Criteria: Invitae Variant Classification Sherloc (09022015). Collection method: clinical testing. Allele origin: germline.

GeneDx
Classification: Uncertain significance. Last evaluated: 2025-02-04. Review status: criteria provided, single submitter. Criteria: GeneDx Variant Classification Process June 2021. Collection method: clinical testing. Allele origin: germline.
Comment: In silico analysis supports that this missense variant has a deleterious effect on protein structure/function; Has not been previously published as pathogenic or benign to our knowledge

Baylor Genetics
Classification: Uncertain significance for Combined oxidative phosphorylation defect type 20. Last evaluated: 2018-01-22. Review status: criteria provided, single submitter. Criteria: ACMG Guidelines, 2015. Collection method: clinical testing. Allele origin: maternal. Affected: yes.
Comment: This variant was determined to be of uncertain significance according to ACMG Guidelines, 2015 [PMID:25741868].

PreventionGenetics, part of Exact Sciences
Classification: Likely benign for VARS2-related condition. Last evaluated: 2022-05-10. Review status: no assertion criteria provided. Collection method: clinical testing. Allele origin: germline. Not counted in ClinVar's aggregate classification.
Comment: This variant is classified as likely benign based on ACMG/AMP sequence variant interpretation guidelines (Richards et al. 2015 PMID: 25741868, with internal and published modifications).

NM_020442.6(VARS2):c.2684G>A (p.Arg895His)

Gene: VARS2 (valyl-tRNA synthetase 2, mitochondrial; plus strand). Cytogenetic location: 6p21.33.
Variant type: single nucleotide variant.
Coding change: c.2684G>A on transcript NM_020442.6 (MANE Select); coding-DNA position 2684, G replaced by A.
Protein change: p.Arg895His; replaces arginine 895 with histidine.
Molecular consequence: missense variant.
Genome position (GRCh38, 1-based): chr6:30,925,284, G>A. VCF-style: chr6-30925284-G-A. GRCh37 (hg19) VCF-style: chr6-30893061-G-A.
Other names: c.2264G>A, p.Arg755His (NM_001167733.3); c.2774G>A, p.Arg925His (NM_001167734.2); short protein forms R755H, R925H, R895H.
Identifiers: ClinVar variation 1032683 (VCV001032683.6), dbSNP rs570231965, ClinGen allele CA3706352.